The following is an entry in ClinVar:

NM_022489.4(INF2):c.3420C>T (p.Val1140=)

Gene: INF2 (inverted formin 2; plus strand). Cytogenetic location: 14q32.33.
Variant type: single nucleotide variant.
Coding change: c.3420C>T on transcript NM_022489.4 (MANE Select); coding-DNA position 3420, C replaced by T.
Protein change: p.Val1140=; no amino-acid change (valine 1140 retained).
Molecular consequence: synonymous variant. On other transcripts: non-coding transcript variant (1).
Genome position (GRCh38, 1-based): chr14:104,714,582, C>T. VCF-style: chr14-104714582-C-T. GRCh37 (hg19) VCF-style: chr14-105180919-C-T.
Other names: p.Val1140=; c.3420C>T, p.Val1140= (NM_001031714.4, NM_001426862.1, NM_001426863.1 and 2 more transcripts).
Identifiers: ClinVar variation 4683943 (VCV004683943.2).
Genomic context (GRCh38, chr14:104,714,582, plus strand): 5'-GCCCCCTGCAGCCGGAAGTTCAAGGCAAGATGCCAAGGATCCCACGTCCTTGCTGGGCGT[C>T]CTCCAGGCCGAGGCCGACAGCACAAGTGAGGGGCTGGAGGACGCTGTCCACAGCCGTGGT-3'
Protein context (NP_071934.3, residues 1130-1150): DAKDPTSLLG[Val1140=]LQAEADSTSE

ClinVar aggregate classification (germline): Likely benign. Review status: criteria provided, multiple submitters, no conflicts (2 of 4 stars). 2 submissions from 2 submitters: Likely benign (2). Last evaluated 2025-05-02.

Conditions:
Focal segmental glomerulosclerosis 5 (FSGS5). Identifiers: Orphanet 656, MedGen C2750475, MONDO:0013191, OMIM 613237.
Charcot-Marie-Tooth disease dominant intermediate E. Also called: CHARCOT-MARIE-TOOTH NEUROPATHY WITH FOCAL SEGMENTAL GLOMERULONEPHRITIS. Identifiers: Orphanet 93114, MedGen C4302667, MONDO:0013758, OMIM 614455.

gnomAD v4.1: 6 of 1,612,656 alleles (0.00037%); highest among the groups gnomAD compares: East Asian, 0.011%; no homozygotes.

Submissions (2):

Labcorp Genetics (formerly Invitae), Labcorp
Classification: Likely benign for Charcot-Marie-Tooth disease dominant intermediate E; Focal segmental glomerulosclerosis 5. Last evaluated: 2025-05-02. Review status: criteria provided, single submitter. Criteria: Invitae Variant Classification Sherloc (09022015). Collection method: clinical testing. Allele origin: germline.

Mayo Clinic Laboratories, Mayo Clinic
Classification: Likely benign. Last evaluated: 2025-02-05. Review status: criteria provided, single submitter. Criteria: ACMG Guidelines, 2015. Collection method: clinical testing. Allele origin: germline. Observed: 1 variant allele.
Comment: BP4, BP7